The following is an entry in ClinVar:

NM_000186.4(CFH):c.2414-30A>C

Gene: CFH (complement factor H; plus strand). Cytogenetic location: 1q31.3.
Variant type: single nucleotide variant.
Coding change: c.2414-30A>C on transcript NM_000186.4 (MANE Select); 30 bases into the intron before coding-DNA position 2414, A replaced by C.
Molecular consequence: intron variant.
Genome position (GRCh38, 1-based): chr1:196,736,794, A>C. VCF-style: chr1-196736794-A-C. GRCh37 (hg19) VCF-style: chr1-196705924-A-C.
Identifiers: ClinVar variation 4291477 (VCV004291477.2).

ClinVar aggregate classification (germline): Likely benign (1 of 4 stars; one submission).

Conditions:
Atypical hemolytic-uremic syndrome. Identifiers: Orphanet 2134, MedGen C2931788, MONDO:0016244.
Age related macular degeneration 4. Identifiers: MedGen C1853147, MONDO:0012540, OMIM 610698.
Basal laminar drusen. Also called: DRUSEN OF BRUCH MEMBRANE; DRUSEN, CUTICULAR; DRUSEN, EARLY ADULT-ONSET, GROUPED. Identifiers: Orphanet 75376, MedGen C0730295, MONDO:0007472, OMIM 126700.
Factor H deficiency (CFHD). Also called: COMPLEMENT FACTOR H DEFICIENCY; CFH DEFICIENCY. Identifiers: Orphanet 200421, MedGen C0398777, MONDO:0012350, OMIM 609814.

Submission:

Genomenon, Inc
Classification: Likely benign for Age related macular degeneration 4; Atypical hemolytic-uremic syndrome; Factor H deficiency; Basal laminar drusen. Last evaluated: 2026-09-17. Review status: criteria provided, single submitter. Criteria: Genomenon Sequence Variant Interpretation Standards - Updated. Collection method: curation. Allele origin: germline. Affected: no.
Comment: CFH c.2414-30A>C is an intronic variant located in intron 15. This variant has been reported in the published literature (PMID: 14583443; 16299065; 15163532). It is absent or not present at a significant frequency in gnomAD. This variant is not predicted to impact splicing. In conclusion, we classify CFH c.2414-30A>C as a likely benign variant.

Literature cited by the submitters: PubMed 14583443; PubMed 16299065; PubMed 15163532.